The following is an entry in ClinVar:

ClinVar aggregate classification (germline): Uncertain significance. Review status: criteria provided, multiple submitters, no conflicts (2 of 4 stars). 3 submissions from 3 submitters: Uncertain significance (3). Last evaluated 2024-12-22.

Conditions:
Juvenile polyposis syndrome (JPS). Identifiers: Orphanet 2929, MedGen C0345893, MONDO:0017380, OMIM 174900.
Hereditary cancer-predisposing syndrome. Also called: Hereditary Cancer Syndrome; Tumor predisposition; Hereditary neoplastic syndrome; Neoplastic Syndromes, Hereditary. Identifiers: Orphanet 140162, MedGen C0027672, MeSH D009386, MONDO:0015356.

Submissions (3):

Labcorp Genetics (formerly Invitae), Labcorp
Classification: Uncertain significance for Juvenile polyposis syndrome. Last evaluated: 2024-12-22. Review status: criteria provided, single submitter. Criteria: Invitae Variant Classification Sherloc (09022015). Collection method: clinical testing. Allele origin: germline.
Comment: This sequence change replaces glycine, which is neutral and non-polar, with alanine, which is neutral and non-polar, at codon 241 of the BMPR1A protein (p.Gly241Ala). This variant is not present in population databases (gnomAD no frequency). This variant has not been reported in the literature in individuals affected with BMPR1A-related conditions. ClinVar contains an entry for this variant (Variation ID: 1045300). Invitae Evidence Modeling of protein sequence and biophysical properties (such as structural, functional, and spatial information, amino acid conservation, physicochemical variation, residue mobility, and thermodynamic stability) has been performed for this missense variant. However, the output from this modeling did not meet the statistical confidence thresholds required to predict the impact of this variant on BMPR1A protein function. In summary, the available evidence is currently insufficient to determine the role of this variant in disease. Therefore, it has been classified as a Variant of Uncertain Significance.

Ambry Genetics
Classification: Uncertain significance for Hereditary cancer-predisposing syndrome. Last evaluated: 2023-11-09. Review status: criteria provided, single submitter. Criteria: Ambry Variant Classification Scheme 2023. Collection method: clinical testing. Allele origin: germline.
Comment: The p.G241A variant (also known as c.722G>C), located in coding exon 7 of the BMPR1A gene, results from a G to C substitution at nucleotide position 722. The glycine at codon 241 is replaced by alanine, an amino acid with similar properties. This amino acid position is conserved. In addition, this alteration is predicted to be deleterious by in silico analysis. Since supporting evidence is limited at this time, the clinical significance of this alteration remains unclear.

Blueprint Genetics
Classification: Uncertain significance. Last evaluated: 2023-01-16. Review status: criteria provided, single submitter. Criteria: ACMG Guidelines, 2015. Collection method: clinical testing. Allele origin: germline.

NM_004329.3(BMPR1A):c.722G>C (p.Gly241Ala)

Gene: BMPR1A (bone morphogenetic protein receptor type 1A; plus strand). Cytogenetic location: 10q23.2.
Variant type: single nucleotide variant.
Coding change: c.722G>C on transcript NM_004329.3 (MANE Select); coding-DNA position 722, G replaced by C.
Protein change: p.Gly241Ala; replaces glycine 241 with alanine.
Molecular consequence: missense variant.
Genome position (GRCh38, 1-based): chr10:86,917,180, G>C. VCF-style: chr10-86917180-G-C. GRCh37 (hg19) VCF-style: chr10-88676937-G-C.
Other names: c.722G>C (NM_004329.2); short protein forms G241A.
Identifiers: ClinVar variation 1045300 (VCV001045300.10), dbSNP rs1554890758, ClinGen allele CA377457275.
Genomic context (GRCh38, chr10:86,917,180, plus strand): 5'-TTTTTTCTATAAAGGTTCAGCGAACTATTGCCAAACAGATTCAGATGGTCCGGCAAGTTG[G>C]TAAAGGCCGATATGGAGAAGTATGGATGGGCAAATGGCGTGGCGAAAAAGTGGCGGTGAA-3'
Protein context (NP_004320.2, residues 231-251): AKQIQMVRQV[Gly241Ala]KGRYGEVWMG